The following is an entry in ClinVar:

ClinVar aggregate classification (germline): Uncertain significance (1 of 4 stars; one submission).

gnomAD v4.1: 2 of 1,613,910 alleles (0.00012%); highest among the groups gnomAD compares: Non-Finnish European, 0.00017%; no homozygotes.

Submission:

Labcorp Genetics (formerly Invitae), Labcorp
Classification: Uncertain significance. Last evaluated: 2025-05-23. Review status: criteria provided, single submitter. Criteria: Invitae Variant Classification Sherloc (09022015). Collection method: clinical testing. Allele origin: germline.
Comment: This sequence change replaces glycine, which is neutral and non-polar, with valine, which is neutral and non-polar, at codon 430 of the TNRC6B protein (p.Gly430Val). This variant is present in population databases (rs781727284, gnomAD 0.0009%). This variant has not been reported in the literature in individuals affected with TNRC6B-related conditions. An algorithm developed to predict the effect of missense changes on protein structure and function (PolyPhen-2) suggests that this variant is likely to be disruptive. In summary, the available evidence is currently insufficient to determine the role of this variant in disease. Therefore, it has been classified as a Variant of Uncertain Significance.

NM_001162501.2(TNRC6B):c.1289G>T (p.Gly430Val)

Gene: TNRC6B (trinucleotide repeat containing adaptor 6B; plus strand). Cytogenetic location: 22q13.1.
Variant type: single nucleotide variant.
Coding change: c.1289G>T on transcript NM_001162501.2 (MANE Select); coding-DNA position 1289, G replaced by T.
Protein change: p.Gly430Val; replaces glycine 430 with valine.
Molecular consequence: missense variant. On other transcripts: intron variant (1).
Genome position (GRCh38, 1-based): chr22:40,265,519, G>T. VCF-style: chr22-40265519-G-T. GRCh37 (hg19) VCF-style: chr22-40661523-G-T.
Other names: c.1289G>T, p.Gly430Val (NM_015088.3); c.565+3346G>T (NM_001024843.2); short protein forms G430V.
Identifiers: ClinVar variation 4720119 (VCV004720119.1).
Genomic context (GRCh38, chr22:40,265,519, plus strand): 5'-CTTCACAAAGCACTGGAGATCGAAAGACTGGGAGTGTTGGATCTTGGGGTGCAGCTAGGG[G>T]GCCTTCTGGAACTGACACAGTCTCTGGACAAAGCAATTCTGGAAACAATGGGAACAATGG-3'
Protein context (NP_001155973.1, residues 420-440): GSVGSWGAAR[Gly430Val]PSGTDTVSGQ